The following is an entry in ClinVar:

NM_001080414.4(CCDC88C):c.5894G>A (p.Gly1965Glu)

Gene: CCDC88C (coiled-coil domain containing 88C; minus strand). Cytogenetic location: 14q32.11.
Variant type: single nucleotide variant.
Coding change: c.5894G>A on transcript NM_001080414.4 (MANE Select); coding-DNA position 5894, G replaced by A.
Protein change: p.Gly1965Glu; replaces glycine 1965 with glutamic acid.
Molecular consequence: missense variant.
Genome position (GRCh38, 1-based): chr14:91,272,818, C>T on the plus strand (G>A on the coding strand, the complement: CCDC88C is on the minus strand). VCF-style: chr14-91272818-C-T. GRCh37 (hg19) VCF-style: chr14-91739162-C-T.
Other names: short protein forms G1965E.
Identifiers: ClinVar variation 1901901 (VCV001901901.2), dbSNP rs1451235951, ClinGen allele CA390608555.

ClinVar aggregate classification (germline): Uncertain significance (1 of 4 stars; one submission).

Submission:

Labcorp Genetics (formerly Invitae), Labcorp
Classification: Uncertain significance. Last evaluated: 2022-07-17. Review status: criteria provided, single submitter. Criteria: Invitae Variant Classification Sherloc (09022015). Collection method: clinical testing. Allele origin: germline.
Comment: This sequence change replaces glycine, which is neutral and non-polar, with glutamic acid, which is acidic and polar, at codon 1965 of the CCDC88C protein (p.Gly1965Glu). This variant is not present in population databases (gnomAD no frequency). This variant has not been reported in the literature in individuals affected with CCDC88C-related conditions. Algorithms developed to predict the effect of missense changes on protein structure and function are either unavailable or do not agree on the potential impact of this missense change (SIFT: "Deleterious"; PolyPhen-2: "Possibly Damaging"; Align-GVGD: "Class C0"). In summary, the available evidence is currently insufficient to determine the role of this variant in disease. Therefore, it has been classified as a Variant of Uncertain Significance.